The following is an entry in ClinVar:

ClinVar aggregate classification (germline): Pathogenic (1 of 4 stars; one submission).

Submission:

Labcorp Genetics (formerly Invitae), Labcorp
Classification: Pathogenic. Last evaluated: 2022-08-22. Review status: criteria provided, single submitter. Criteria: Invitae Variant Classification Sherloc (09022015). Collection method: clinical testing. Allele origin: germline.
Comment: This variant is a gross deletion of the genomic region encompassing exon(s) 6-8 of the PCDH15 gene. This variant would be expected to be in-frame, preserving the integrity of the reading frame. This variant has not been reported in the literature in individuals affected with PCDH15-related conditions. The region of the PCDH15 gene that includes exon(s) 6 has been determined to be clinically significant (PMID: 28041643). Therefore, deletions that encompass that region are likely to be disease-causing. For these reasons, this variant has been classified as Pathogenic.

Literature cited by the submitters: PubMed 28041643.

NC_000010.10:g.(?_56077031)_(56106244_?)del

Gene: PCDH15 (protocadherin related 15; minus strand). Cytogenetic location: 10q21.1.
Variant type: Deletion.
Identifiers: ClinVar variation 1070734 (VCV001070734.2).